The following is an entry in ClinVar:

NM_001243133.2(NLRP3):c.859A>G (p.Lys287Glu)

Gene: NLRP3 (NLR family pyrin domain containing 3; plus strand). Cytogenetic location: 1q44.
Variant type: single nucleotide variant.
Coding change: c.859A>G on transcript NM_001243133.2 (MANE Select); coding-DNA position 859, A replaced by G.
Protein change: p.Lys287Glu; replaces lysine 287 with glutamic acid.
Molecular consequence: missense variant.
Genome position (GRCh38, 1-based): chr1:247,424,308, A>G. VCF-style: chr1-247424308-A-G. GRCh37 (hg19) VCF-style: chr1-247587610-A-G.
Other names: c.865A>G, p.Lys289Glu (NM_004895.5); c.859A>G, p.Lys287Glu (NM_183395.3, NM_001079821.3, NM_001127461.3 and 1 more transcripts); short protein forms K289E, K287E.
Identifiers: ClinVar variation 2758946 (VCV002758946.3), dbSNP rs2527261977, ClinGen allele CA345555587.

ClinVar aggregate classification (germline): Uncertain significance (1 of 4 stars; one submission).

Conditions:
Cryopyrin associated periodic syndrome (CAPS). Identifiers: Orphanet 208650, MedGen C2316212, MONDO:0016168.

Submission:

Labcorp Genetics (formerly Invitae), Labcorp
Classification: Uncertain significance for Cryopyrin associated periodic syndrome. Last evaluated: 2024-03-01. Review status: criteria provided, single submitter. Criteria: Invitae Variant Classification Sherloc (09022015). Collection method: clinical testing. Allele origin: germline.
Comment: This sequence change replaces lysine, which is basic and polar, with glutamic acid, which is acidic and polar, at codon 289 of the NLRP3 protein (p.Lys289Glu). This variant is not present in population databases (gnomAD no frequency). This variant has not been reported in the literature in individuals affected with NLRP3-related conditions. Advanced modeling of protein sequence and biophysical properties (such as structural, functional, and spatial information, amino acid conservation, physicochemical variation, residue mobility, and thermodynamic stability) performed at Invitae indicates that this missense variant is not expected to disrupt NLRP3 protein function with a negative predictive value of 95%. In summary, the available evidence is currently insufficient to determine the role of this variant in disease. Therefore, it has been classified as a Variant of Uncertain Significance.